The following is an entry in ClinVar:

ClinVar aggregate classification (germline): Uncertain significance. Review status: criteria provided, multiple submitters, no conflicts (2 of 4 stars). 2 submissions from 2 submitters: Uncertain significance (2). Last evaluated 2025-01-29.

Conditions:
Spermatogenic failure 18. Identifiers: MedGen C4539783, MONDO:0054615, OMIM 617576.
Ciliary dyskinesia, primary, 37 (CILD37). Also called: CILIARY DYSKINESIA, PRIMARY, 37, WITH OR WITHOUT SITUS INVERSUS. Identifiers: MedGen C4539798, MONDO:0033204, OMIM 617577.

Allele frequency attached by ClinVar (database versions not stated): TOPMed 0.00001; gnomAD exomes 0.00002 and 0.00005; ExAC 0.00004; gnomAD 0.00006.
gnomAD v4.1: 41 of 1,611,644 alleles (0.0025%); highest among the groups gnomAD compares: Middle Eastern, 0.016%; no homozygotes.

Submissions (2):

Labcorp Genetics (formerly Invitae), Labcorp
Classification: Uncertain significance for Ciliary dyskinesia, primary, 37; Spermatogenic failure 18. Last evaluated: 2025-01-29. Review status: criteria provided, single submitter. Criteria: Invitae Variant Classification Sherloc (09022015). Collection method: clinical testing. Allele origin: germline.
Comment: This sequence change replaces threonine, which is neutral and polar, with methionine, which is neutral and non-polar, at codon 2878 of the DNAH1 protein (p.Thr2878Met). This variant is present in population databases (rs781146284, gnomAD 0.05%). This variant has not been reported in the literature in individuals affected with DNAH1-related conditions. ClinVar contains an entry for this variant (Variation ID: 953567). Invitae Evidence Modeling of protein sequence and biophysical properties (such as structural, functional, and spatial information, amino acid conservation, physicochemical variation, residue mobility, and thermodynamic stability) indicates that this missense variant is not expected to disrupt DNAH1 protein function with a negative predictive value of 80%. In summary, the available evidence is currently insufficient to determine the role of this variant in disease. Therefore, it has been classified as a Variant of Uncertain Significance.

Ambry Genetics
Classification: Uncertain significance. Last evaluated: 2022-12-01. Review status: criteria provided, single submitter. Criteria: Ambry Variant Classification Scheme 2023. Collection method: clinical testing. Allele origin: germline.

NM_015512.5(DNAH1):c.8633C>T (p.Thr2878Met)

Gene: DNAH1 (dynein axonemal heavy chain 1; plus strand). Cytogenetic location: 3p21.1.
Variant type: single nucleotide variant.
Coding change: c.8633C>T on transcript NM_015512.5 (MANE Select); coding-DNA position 8633, C replaced by T.
Protein change: p.Thr2878Met; replaces threonine 2878 with methionine.
Molecular consequence: missense variant.
Genome position (GRCh38, 1-based): chr3:52,386,167, C>T. VCF-style: chr3-52386167-C-T. GRCh37 (hg19) VCF-style: chr3-52420183-C-T.
Other names: short protein forms T2878M.
Identifiers: ClinVar variation 953567 (VCV000953567.5), dbSNP rs781146284, ClinGen allele CA2435278.